The following is an entry in ClinVar:

ClinVar aggregate classification (germline): Uncertain significance (1 of 4 stars; one submission).

Conditions:
Hereditary nonpolyposis colorectal neoplasms. Identifiers: MedGen C0009405, MeSH D003123.

Submission:

Labcorp Genetics (formerly Invitae), Labcorp
Classification: Uncertain significance for Hereditary nonpolyposis colorectal neoplasms. Last evaluated: 2024-05-29. Review status: criteria provided, single submitter. Criteria: Invitae Variant Classification Sherloc (09022015). Collection method: clinical testing. Allele origin: germline.
Comment: This sequence change replaces alanine, which is neutral and non-polar, with serine, which is neutral and polar, at codon 196 of the PMS2 protein (p.Ala196Ser). This variant is not present in population databases (gnomAD no frequency). This variant has not been reported in the literature in individuals affected with PMS2-related conditions. Advanced modeling of protein sequence and biophysical properties (such as structural, functional, and spatial information, amino acid conservation, physicochemical variation, residue mobility, and thermodynamic stability) performed at Invitae indicates that this missense variant is not expected to disrupt PMS2 protein function with a negative predictive value of 80%. In summary, the available evidence is currently insufficient to determine the role of this variant in disease. Therefore, it has been classified as a Variant of Uncertain Significance.

NM_000535.7(PMS2):c.586G>T (p.Ala196Ser)

Gene: PMS2 (PMS1 homolog 2, mismatch repair system component; minus strand). Cytogenetic location: 7p22.1.
Variant type: single nucleotide variant.
Coding change: c.586G>T on transcript NM_000535.7 (MANE Select); coding-DNA position 586, G replaced by T.
Protein change: p.Ala196Ser; replaces alanine 196 with serine.
Molecular consequence: missense variant. On other transcripts: non-coding transcript variant (1), intron variant (6), splice acceptor variant (3).
Genome position (GRCh38, 1-based): chr7:5,999,227, C>A on the plus strand (G>T on the coding strand, the complement: PMS2 is on the minus strand). VCF-style: chr7-5999227-C-A. GRCh37 (hg19) VCF-style: chr7-6038858-C-A.
Other names: c.586G>T, p.Ala196Ser (NM_001406872.1, NM_001406873.1, NM_001406912.1 and 5 more transcripts); c.277G>T, p.Ala93Ser (NM_001406875.1, NM_001406877.1, NM_001406878.1 and 6 more transcripts); c.268G>T, p.Ala90Ser (NM_001406876.1, NM_001406883.1, NM_001406901.1 and 4 more transcripts); c.181G>T, p.Ala61Ser (NM_001406887.1, NM_001406888.1, NM_001406889.1 and 21 more transcripts); c.132+3226G>T (NM_001406911.1); c.133-1804G>T (NM_001322013.2, NM_001406909.1); c.-347-1G>T (NM_001322012.2, NM_001322011.2); c.251-1G>T (NM_001406885.1); and 4 more; short protein forms A61S, A90S, A93S, A196S, A258S, A204S.
Identifiers: ClinVar variation 3654980 (VCV003654980.2).
Genomic context (GRCh38, chr7:5,999,227, plus strand): 5'-ATACCACAGGCTGTCGTTTTCCTTGTCCAAGCTGATTGGTGCAACTTACACGGATGCCTG[C>A]TGAAATGATACAGTATGCATGTAAGACCTGGACCATTTTGGCATACTCCTGTTTAAAAAA-3'
Protein context (NP_000526.2, residues 186-206): QVLHAYCIIS[Ala196Ser]GIRVSCTNQL